The following is an entry in ClinVar:

NM_001267550.2(TTN):c.49997dup (p.Asn16666fs)

Genes: TTN-AS1 (TTN antisense RNA 1; plus strand), TTN (titin; minus strand). Cytogenetic location: 2q31.2.
Variant type: Duplication.
Coding change: c.49997dup on transcript NM_001267550.2 (MANE Select); coding-DNA position 49997, one base duplicated (A; older notation c.49997dupA).
Protein change: p.Asn16666fs; shifts the reading frame from asparagine 16666.
Molecular consequence: frameshift variant.
Genome position (GRCh38, 1-based): chr2:178,612,528, T duplicated on the plus strand (A on the coding strand, the reverse complement: TTN is on the minus strand); the first of 6 consecutive T bases (chr2:178,612,528-178,612,533); duplicating any one gives the same sequence. VCF-style (leftmost placement, unchanged base first): chr2-178612527-A-AT. GRCh37 (hg19) VCF-style: chr2-179477254-A-AT.
Other names: c.49997dupA (NM_001267550.1); c.45074dup, p.Asn15025fs (NM_001256850.1); c.22802dup, p.Asn7601fs (NM_003319.4); c.42293dup, p.Asn14098fs (NM_133378.4); c.23177dup, p.Asn7726fs (NM_133432.3); c.23378dup, p.Asn7793fs (NM_133437.4); short protein forms N14098fs, N15025fs, N16666fs, N7601fs, N7726fs, N7793fs.
Identifiers: ClinVar variation 3377322 (VCV003377322.3).

ClinVar aggregate classification (germline): Likely pathogenic. Review status: criteria provided, multiple submitters, no conflicts (2 of 4 stars). 2 submissions from 2 submitters: Likely pathogenic (2). Last evaluated 2025-04-08.

Conditions:
Dilated cardiomyopathy 1G (CMD1G). Identifiers: Orphanet 154, MedGen C1858763, MONDO:0011400, OMIM 604145.
Autosomal recessive limb-girdle muscular dystrophy type 2J (LGMDR10). Also called: Limb-girdle muscular dystrophy, type 2J; MUSCULAR DYSTROPHY, LIMB-GIRDLE, AUTOSOMAL RECESSIVE 10. Identifiers: Orphanet 140922, MedGen C1837342, MONDO:0012127, OMIM 608807.

Submissions (2):

Labcorp Genetics (formerly Invitae), Labcorp
Classification: Likely pathogenic for Dilated cardiomyopathy 1G; Autosomal recessive limb-girdle muscular dystrophy type 2J. Last evaluated: 2025-04-08. Review status: criteria provided, single submitter. Criteria: Invitae Variant Classification Sherloc (09022015). Collection method: clinical testing. Allele origin: germline.
Comment: This sequence change creates a premature translational stop signal (p.Asn16666Lysfs*11) in the TTN gene. While this is not anticipated to result in nonsense mediated decay, it is expected to create a truncated TTN protein. This variant is not present in population databases (gnomAD no frequency). This variant has not been reported in the literature in individuals affected with TTN-related conditions. ClinVar contains an entry for this variant (Variation ID: 3377322). This variant is located in the A band of TTN (PMID: 25589632). Truncating variants in this region are significantly overrepresented in patients affected with dilated cardiomyopathy (PMID: 25589632). Truncating variants in this region have also been reported in individuals affected with autosomal recessive centronuclear myopathy (PMID: 23975875). In summary, the currently available evidence indicates that the variant is pathogenic, but additional data are needed to prove that conclusively. Therefore, this variant has been classified as Likely Pathogenic.

Victorian Clinical Genetics Services, Murdoch Childrens Research Institute
Classification: Likely pathogenic for Dilated cardiomyopathy 1G. Last evaluated: 2022-02-02. Review status: criteria provided, single submitter. Criteria: ACMG Guidelines, 2015. Collection method: clinical testing. Allele origin: germline. Inheritance: Autosomal dominant inheritance.
Comment: Based on the classification scheme VCGS_Germline_v1.3.4, this variant is classified as Likely Pathogenic. Following criteria are met: 0102 - Loss of function is known mechanism of disease in this gene. In addition, dominant-negative is also a suggested mechanism as not all truncated transcripts in dilated cardiomyopathy (DCM) undergo nonsense mediated decay (PMID: 25589632). (I) 0108 - This gene is associated with both recessive and dominant disease. (I) 0112 - The condition associated with this gene has incomplete penetrance. Null variants have been reported to have incomplete penetrance in DCM (PMID: 25589632, 28045975). (I) 0201 - Variant is predicted to cause nonsense-mediated decay (NMD) and loss of protein (premature termination codon is located at least 54 nucleotides upstream of the final exon-exon junction). (SP) 0251 - This variant is heterozygous. (I) 0304 - Variant is present in gnomAD <0.01 (v3: 1 heterozygote, 0 homozygotes). (SP) 0600 - Variant is located in the annotated A-band, with an exon PSI score of 100 (cardiodb, PMID: 25589632). (I) 0703 - Other NMD-predicted variants comparable to the one identified in this case have moderate previous evidence for pathogenicity (Clinvar). (SP) 0807 - This variant has no previous evidence of pathogenicity. (I) 0903 - This variant has limited evidence for segregation with disease. (SP) 1007 - No published functional evidence has been identified for this variant. (I) Legend: (SP) - Supporting pathogenic, (I) - Information, (SB) - Supporting benign

Literature cited by the submitters: PubMed 25589632 (cited by Labcorp Genetics (formerly Invitae), Labcorp and Victorian Clinical Genetics Services, Murdoch Childrens Research Institute); PubMed 23975875 (cited by Labcorp Genetics (formerly Invitae), Labcorp); PubMed 28045975 (cited by Victorian Clinical Genetics Services, Murdoch Childrens Research Institute).